The following is an entry in ClinVar:

ClinVar aggregate classification (germline): Uncertain significance (1 of 4 stars; one submission).

Conditions:
POLD1-related polyposis and colorectal cancer syndrome (CRCS10). Also called: Colorectal cancer 10; COLORECTAL CANCER, SUSCEPTIBILITY TO, ON CHROMOSOME 19q; Colorectal cancer, susceptibility to, 10. Identifiers: Orphanet 220460, MedGen C2675481, MONDO:0012953, OMIM 612591.

Submission:

Labcorp Genetics (formerly Invitae), Labcorp
Classification: Uncertain significance for POLD1-related polyposis and colorectal cancer syndrome. Last evaluated: 2025-09-14. Review status: criteria provided, single submitter. Criteria: Invitae Variant Classification Sherloc (09022015). Collection method: clinical testing. Allele origin: germline.
Comment: This sequence change replaces aspartic acid, which is acidic and polar, with glutamic acid, which is acidic and polar, at codon 595 of the POLD1 protein (p.Asp595Glu). This variant is not present in population databases (gnomAD no frequency). This variant has not been reported in the literature in individuals affected with POLD1-related conditions. ClinVar contains an entry for this variant (Variation ID: 960714). Invitae Evidence Modeling of protein sequence and biophysical properties (such as structural, functional, and spatial information, amino acid conservation, physicochemical variation, residue mobility, and thermodynamic stability) indicates that this missense variant is not expected to disrupt POLD1 protein function with a negative predictive value of 80%. In summary, the available evidence is currently insufficient to determine the role of this variant in disease. Therefore, it has been classified as a Variant of Uncertain Significance.

NM_002691.4(POLD1):c.1785C>G (p.Asp595Glu)

Gene: POLD1 (DNA polymerase delta 1, catalytic subunit; plus strand). Cytogenetic location: 19q13.33.
Variant type: single nucleotide variant.
Coding change: c.1785C>G on transcript NM_002691.4 (MANE Select); coding-DNA position 1785, C replaced by G.
Protein change: p.Asp595Glu; replaces aspartic acid 595 with glutamic acid.
Molecular consequence: missense variant. On other transcripts: non-coding transcript variant (1).
Genome position (GRCh38, 1-based): chr19:50,408,794, C>G. VCF-style: chr19-50408794-C-G. GRCh37 (hg19) VCF-style: chr19-50912051-C-G.
Other names: c.1785C>G, p.Asp595Glu (NM_001256849.1); c.1863C>G, p.Asp621Glu (NM_001308632.1); short protein forms D595E, D621E.
Identifiers: ClinVar variation 960714 (VCV000960714.9), dbSNP rs769563176, ClinGen allele CA406981950.